The following is an entry in ClinVar:

ClinVar aggregate classification (germline): Conflicting classifications of pathogenicity. Review status: criteria provided, conflicting classifications (1 of 4 stars). 2 submissions from 2 submitters: Uncertain significance (1); Benign (1). Last evaluated 2025-10-20.

Conditions:
MACF1-related disorder. Also called: MACF1-related condition.

Allele frequency attached by ClinVar (database versions not stated): ExAC 0.00006.
gnomAD v4.1: 15 of 1,614,008 alleles (0.00093%); highest among the groups gnomAD compares: Admixed American, 0.023%; no homozygotes.

Submissions (2):

PreventionGenetics, part of Exact Sciences
Classification: Uncertain significance for MACF1-related condition. Last evaluated: 2025-10-20. Review status: criteria provided, single submitter. Criteria: ACMG Guidelines, 2015. Collection method: clinical testing. Allele origin: germline.
Comment: The MACF1 c.11806A>G variant is predicted to result in the amino acid substitution p.Thr3936Ala. To our knowledge, this variant has not been reported in the literature. This variant is reported in 0.038% of alleles in individuals of Latino descent in gnomAD. Although we suspect that this variant may be benign, at this time, the clinical significance of this variant is uncertain due to the absence of conclusive functional and genetic evidence.

Labcorp Genetics (formerly Invitae), Labcorp
Classification: Benign. Last evaluated: 2024-09-05. Review status: criteria provided, single submitter. Criteria: Invitae Variant Classification Sherloc (09022015). Collection method: clinical testing. Allele origin: germline.

NM_001394062.1(MACF1):c.17988+724A>G

Gene: MACF1 (microtubule actin crosslinking factor 1; plus strand). Cytogenetic location: 1p34.3.
Variant type: single nucleotide variant.
Coding change: c.17988+724A>G on transcript NM_001394062.1 (MANE Select); 724 bases into the intron after coding-DNA position 17988, A replaced by G.
Molecular consequence: intron variant. On other transcripts: missense variant (2).
Genome position (GRCh38, 1-based): chr1:39,436,485, A>G. VCF-style: chr1-39436485-A-G. GRCh37 (hg19) VCF-style: chr1-39902157-A-G.
Other names: c.6061A>G, p.Thr2021Ala (NM_001397473.1); c.11806A>G, p.Thr3936Ala (NM_012090.5); short protein forms T3936A, T2021A.
Identifiers: ClinVar variation 2904962 (VCV002904962.4), dbSNP rs773197176, ClinGen allele CA783769.
Genomic context (GRCh38, chr1:39,436,485, plus strand): 5'-CTGTCTTCCCCACATCGTCACATTTCATTGTTGTGTTGACCGCGCCCACCATTACAGATT[A>G]CAGAGGTAAGGTACCCATCCCCATTGGGACTAGGGTGTTCTTATAATGCTGAAAATTGAG-3'